The following is an entry in ClinVar:

NM_001267550.2(TTN):c.88406C>T (p.Ala29469Val)

Genes: TTN (titin; minus strand), TTN-AS1 (TTN antisense RNA 1; plus strand). Cytogenetic location: 2q31.2.
Variant type: single nucleotide variant.
Coding change: c.88406C>T on transcript NM_001267550.2 (MANE Select); coding-DNA position 88406, C replaced by T.
Protein change: p.Ala29469Val; replaces alanine 29469 with valine.
Molecular consequence: missense variant.
Genome position (GRCh38, 1-based): chr2:178,555,053, G>A on the plus strand (C>T on the coding strand, the complement: TTN is on the minus strand). VCF-style: chr2-178555053-G-A. GRCh37 (hg19) VCF-style: chr2-179419780-G-A.
Other names: c.80702C>T, p.Ala26901Val (NM_133378.4); c.83483C>T, p.Ala27828Val (NM_001256850.1); c.61211C>T, p.Ala20404Val (NM_003319.4); c.61586C>T, p.Ala20529Val (NM_133432.3); c.61787C>T, p.Ala20596Val (NM_133437.4); short protein forms A29469V, A26901V, A20404V, A20529V, A20596V, A27828V.
Identifiers: ClinVar variation 47478 (VCV000047478.12), dbSNP rs397517740, ClinGen allele CA141133.

ClinVar aggregate classification (germline): Uncertain significance. Review status: criteria provided, multiple submitters, no conflicts (2 of 4 stars). 6 submissions from 6 submitters: Uncertain significance (6). Last evaluated 2025-08-12.

Conditions:
TTN-related disorder. Also called: TTN-related condition; TTN-related disease; TTN-related disorders.
Cardiovascular phenotype. Identifiers: MedGen CN230736.
Myopathy, myofibrillar, 9, with early respiratory failure (MFM9). Also called: Hereditary myopathy with early respiratory failure; EDSTROM MYOPATHY; MYOPATHY, PROXIMAL, WITH EARLY RESPIRATORY MUSCLE INVOLVEMENT; Myopathy, distal, with early respiratory failure, autosomal dominant. Identifiers: Orphanet 178464, Orphanet 34521, MedGen C1863599, MONDO:0011362, OMIM 603689.
Autosomal recessive limb-girdle muscular dystrophy type 2J (LGMDR10). Also called: Limb-girdle muscular dystrophy, type 2J; MUSCULAR DYSTROPHY, LIMB-GIRDLE, AUTOSOMAL RECESSIVE 10. Identifiers: Orphanet 140922, MedGen C1837342, MONDO:0012127, OMIM 608807.
Early-onset myopathy with fatal cardiomyopathy (CMYO5). Also called: Salih Myopathy; CONGENITAL MYOPATHY 5 WITH CARDIOMYOPATHY. Identifiers: Orphanet 289377, MedGen C2673677, MONDO:0012714, OMIM 611705. Disease mechanism: loss of function.
Hypertrophic cardiomyopathy 9. Also called: Familial hypertrophic cardiomyopathy 9. Identifiers: MedGen C1861065, MONDO:0013412, OMIM 613765.
Dilated cardiomyopathy 1G (CMD1G). Identifiers: Orphanet 154, MedGen C1858763, MONDO:0011400, OMIM 604145.
Tibial muscular dystrophy (TMD). Also called: Tibial muscular dystrophy, tardive; UDD MYOPATHY; Udd Distal Myopathy – Tibial Muscular Dystrophy. Identifiers: Orphanet 609, MedGen C1838244, MONDO:0010870, OMIM 600334.

Allele frequency attached by ClinVar (database versions not stated): gnomAD 0.00002; gnomAD exomes 0.00006 and 0.00010; TOPMed 0.00007; ExAC 0.00013.
gnomAD v4.1: 86 of 1,613,608 alleles (0.0053%); highest among the groups gnomAD compares: East Asian, 0.098%; no homozygotes.

Submissions (6):

PreventionGenetics, part of Exact Sciences
Classification: Uncertain significance for TTN-related condition. Last evaluated: 2025-08-12. Review status: criteria provided, single submitter. Criteria: ACMG Guidelines, 2015. Collection method: clinical testing. Allele origin: germline.
Comment: The TTN c.88406C>T variant is predicted to result in the amino acid substitution p.Ala29469Val. To our knowledge, this variant has not been reported in the literature. This variant is reported in 0.062% of alleles in individuals of East Asian descent in gnomAD. Although we suspect that this variant may be benign, at this time, the clinical significance of this variant is uncertain due to the absence of conclusive functional and genetic evidence.

Revvity Omics, Revvity
Classification: Uncertain significance. Last evaluated: 2025-06-05. Review status: criteria provided, single submitter. Criteria: ACMG Guidelines, 2015. Collection method: clinical testing. Allele origin: germline.

Fulgent Genetics
Classification: Uncertain significance for Tibial muscular dystrophy; Myopathy, myofibrillar, 9, with early respiratory failure; Dilated cardiomyopathy 1G; Autosomal recessive limb-girdle muscular dystrophy type 2J; Early-onset myopathy with fatal cardiomyopathy; Hypertrophic cardiomyopathy 9. Last evaluated: 2022-02-11. Review status: criteria provided, single submitter. Criteria: ACMG Guidelines, 2015. Collection method: clinical testing. Allele origin: unknown.

Ambry Genetics
Classification: Uncertain significance for Cardiovascular phenotype. Last evaluated: 2019-12-04. Review status: criteria provided, single submitter. Criteria: Ambry Variant Classification Scheme 2023. Collection method: clinical testing. Allele origin: germline.
Comment: The p.A20404V variant (also known as c.61211C>T), located in coding exon 158 of the TTN gene, results from a C to T substitution at nucleotide position 61211. The alanine at codon 20404 is replaced by valine, an amino acid with similar properties. This amino acid position is poorly conserved in available vertebrate species. In addition, this alteration is predicted to be tolerated by in silico analysis. Since supporting evidence is limited at this time, the clinical significance of this alteration remains unclear.

Labcorp Genetics (formerly Invitae), Labcorp
Classification: Uncertain significance for Dilated cardiomyopathy 1G; Autosomal recessive limb-girdle muscular dystrophy type 2J. Last evaluated: 2017-08-31. Review status: criteria provided, single submitter. Criteria: Invitae Variant Classification Sherloc (09022015). Collection method: clinical testing. Allele origin: germline.

Laboratory for Molecular Medicine, Mass General Brigham Personalized Medicine
Classification: Uncertain significance. Last evaluated: 2012-10-19. Review status: criteria provided, single submitter. Criteria: LMM Criteria. Collection method: clinical testing. Allele origin: germline. Observed: 1 variant allele.
Comment: Variant classified as Uncertain Significance - Favor Benign. The Ala26901Val var iant in TTN has not been reported in the literature nor previously identified by our laboratory. Alanine (Ala) at position 26901 is not well conserved in evolut ion, suggesting that a change at this position may be tolerated. Additional comp utational analyses (biochemical amino acid properties, AlignGVGD, PolyPhen2, and SIFT) also suggest that the Ala26901Val variant may not impact the protein, tho ugh this information is not predictive enough to rule out pathogenicity. This va riant is unlikely to be disease causing but additional studies are needed to est ablish this with confidence.